The following is an entry in ClinVar:

NM_006005.3(WFS1):c.1342A>G (p.Ser448Gly)

Gene: WFS1 (wolframin ER transmembrane glycoprotein; plus strand). Cytogenetic location: 4p16.1.
Variant type: single nucleotide variant.
Coding change: c.1342A>G on transcript NM_006005.3 (MANE Select); coding-DNA position 1342, A replaced by G.
Protein change: p.Ser448Gly; replaces serine 448 with glycine.
Molecular consequence: missense variant.
Genome position (GRCh38, 1-based): chr4:6,301,137, A>G. VCF-style: chr4-6301137-A-G. GRCh37 (hg19) VCF-style: chr4-6302864-A-G.
Other names: c.1342A>G, p.Ser448Gly (NM_001145853.1); short protein forms S448G.
Identifiers: ClinVar variation 2062651 (VCV002062651.5), dbSNP rs758233926, ClinGen allele CA2839315.
Genomic context (GRCh38, chr4:6,301,137, plus strand): 5'-CCCTGCTCGGAGCTGGCTGTCATCACCGGCTTCTTTACCGTGACCAGCTACCTGAGCCTG[A>G]GCACCCATGCAGAGCCCTACACGCGCAGGGCCCTGGCCACCGAGGTCACCGCCGGCCTGC-3'
Protein context (NP_005996.2, residues 438-458): FFTVTSYLSL[Ser448Gly]THAEPYTRRA

ClinVar aggregate classification (germline): Uncertain significance. Review status: criteria provided, multiple submitters, no conflicts (2 of 4 stars). 3 submissions from 3 submitters: Uncertain significance (3). Last evaluated 2025-05-27.

Allele frequency attached by ClinVar (database versions not stated): gnomAD 0.00001; ExAC 0.00002; TOPMed 0.00003.

Submissions (3):

Labcorp Genetics (formerly Invitae), Labcorp
Classification: Uncertain significance. Last evaluated: 2025-05-27. Review status: criteria provided, single submitter. Criteria: Invitae Variant Classification Sherloc (09022015). Collection method: clinical testing. Allele origin: germline.
Comment: This sequence change replaces serine, which is neutral and polar, with glycine, which is neutral and non-polar, at codon 448 of the WFS1 protein (p.Ser448Gly). This variant is present in population databases (rs758233926, gnomAD 0.007%). This variant has not been reported in the literature in individuals affected with WFS1-related conditions. ClinVar contains an entry for this variant (Variation ID: 2062651). Invitae Evidence Modeling of protein sequence and biophysical properties (such as structural, functional, and spatial information, amino acid conservation, physicochemical variation, residue mobility, and thermodynamic stability) indicates that this missense variant is not expected to disrupt WFS1 protein function with a negative predictive value of 95%. In summary, the available evidence is currently insufficient to determine the role of this variant in disease. Therefore, it has been classified as a Variant of Uncertain Significance.

ARUP Laboratories, Molecular Genetics and Genomics, ARUP Laboratories
Classification: Uncertain significance. Last evaluated: 2024-08-19. Review status: criteria provided, single submitter. Criteria: ARUP Molecular Germline Variant Investigation Process 2024. Collection method: clinical testing. Allele origin: germline.
Comment: The WFS1 c.1342A>G; p.Ser448Gly variant (rs758233926), to our knowledge, is not reported in the medical literature but is reported in ClinVar (Variation ID: 2062651). This variant is found in the non-Finnish European population with an allele frequency of 0.008% (9/113,414 alleles) in the Genome Aggregation Database (v2.1.1). Computational analyses are uncertain whether this variant is neutral or deleterious (REVEL: 0.396). Due to limited information, the clinical significance of this variant is uncertain at this time.

Blueprint Genetics
Classification: Uncertain significance. Last evaluated: 2020-01-27. Review status: criteria provided, single submitter. Criteria: ACMG Guidelines, 2015. Collection method: clinical testing. Allele origin: germline.